The following is an entry in ClinVar:

ClinVar aggregate classification (germline): Benign (1 of 4 stars; one submission).

Allele frequency attached by ClinVar (database versions not stated): gnomAD 0.17797 and 0.17661; 1000 Genomes Project 30x 0.14085; 1000 Genomes Project 0.14417; TOPMed 0.17528.
gnomAD v4.1: 27,157 of 151,838 alleles (18%); highest among the groups gnomAD compares: South Asian, 25%; 3,020 homozygotes.

Submissions (10):

GeneDx
Classification: Benign. Last evaluated: 2018-06-19. Review status: criteria provided, single submitter. Criteria: GeneDx Variant Classification (06012015). Collection method: clinical testing. Allele origin: germline. Affected: yes.
Comment: This variant is considered likely benign or benign based on one or more of the following criteria: it is a conservative change, it occurs at a poorly conserved position in the protein, it is predicted to be benign by multiple in silico algorithms, and/or has population frequency not consistent with disease.

Dr. Peter K. Rogan Lab, Western University
No classification provided (evidence only). Condition: Uterine corpus endometrial carcinoma. Review status: no classification provided. Collection method: in vitro. Allele origin: not applicable. Functional consequence: retained intron. Not counted in ClinVar's aggregate classification.

Dr. Peter K. Rogan Lab, Western University
No classification provided (evidence only). Condition: Uterine corpus endometrial carcinoma. Review status: no classification provided. Collection method: in vitro. Allele origin: not applicable. Functional consequence: retained intron. Not counted in ClinVar's aggregate classification.

Dr. Peter K. Rogan Lab, Western University
No classification provided (evidence only). Condition: Cholangiocarcinoma. Review status: no classification provided. Collection method: in vitro. Allele origin: not applicable. Functional consequence: retained intron. Not counted in ClinVar's aggregate classification.

Dr. Peter K. Rogan Lab, Western University
No classification provided (evidence only). Condition: Cholangiocarcinoma. Review status: no classification provided. Collection method: in vitro. Allele origin: not applicable. Functional consequence: skipped exon. Not counted in ClinVar's aggregate classification.

Dr. Peter K. Rogan Lab, Western University
No classification provided (evidence only). Condition: Cholangiocarcinoma. Review status: no classification provided. Collection method: in vitro. Allele origin: not applicable. Functional consequence: retained intron. Not counted in ClinVar's aggregate classification.

Dr. Peter K. Rogan Lab, Western University
No classification provided (evidence only). Condition: Cholangiocarcinoma. Review status: no classification provided. Collection method: in vitro. Allele origin: not applicable. Functional consequence: skipped exon, retained intron. Not counted in ClinVar's aggregate classification.

Dr. Peter K. Rogan Lab, Western University
No classification provided (evidence only). Condition: Gastric cancer. Review status: no classification provided. Collection method: in vitro. Allele origin: not applicable. Functional consequence: retained intron. Not counted in ClinVar's aggregate classification.

Dr. Peter K. Rogan Lab, Western University
No classification provided (evidence only). Condition: Uterine carcinosarcoma. Review status: no classification provided. Collection method: in vitro. Allele origin: not applicable. Functional consequence: retained intron. Not counted in ClinVar's aggregate classification.

Dr. Peter K. Rogan Lab, Western University
No classification provided (evidence only). Condition: Uterine carcinosarcoma. Review status: no classification provided. Collection method: in vitro. Allele origin: not applicable. Functional consequence: retained intron. Not counted in ClinVar's aggregate classification.

NM_001128159.3(VPS53):c.88-161G>T

Gene: VPS53 (VPS53 subunit of GARP complex; minus strand). Cytogenetic location: 17p13.3.
Variant type: single nucleotide variant.
Coding change: c.88-161G>T on transcript NM_001128159.3 (MANE Select); 161 bases into the intron before coding-DNA position 88, G replaced by T.
Molecular consequence: intron variant.
Genome position (GRCh38, 1-based): chr17:710,774, C>A on the plus strand (G>T on the coding strand, the complement: VPS53 is on the minus strand). VCF-style: chr17-710774-C-A. GRCh37 (hg19) VCF-style: chr17-614014-C-A.
Other names: NC_000017.10:g.614014C>A; c.88-161G>T (NM_018289.4, NM_001366253.2); c.-605-161G>T (NM_001366254.2).
Identifiers: ClinVar variation 670834 (VCV000670834.2), dbSNP rs11657527, ClinGen allele CA14392179.
Genomic context (GRCh38, chr17:710,774, plus strand): 5'-TCATGCCTGTAATCACAGCACTTTGGGAGGCCAAAGCAGATGGATCACCTGAGGTCAGGT[C>A]TCTACTAAAAATAAAAACTTGGCTGGGTGTGGTGTTGGCGCACACCTGTAATCCCAACTA-3'